The following is an entry in ClinVar:

ClinVar aggregate classification (germline): Pathogenic (1 of 4 stars; one submission).

Submission:

Labcorp Genetics (formerly Invitae), Labcorp
Classification: Pathogenic. Last evaluated: 2022-03-17. Review status: criteria provided, single submitter. Criteria: Invitae Variant Classification Sherloc (09022015). Collection method: clinical testing. Allele origin: germline.
Comment: For these reasons, this variant has been classified as Pathogenic. This variant has not been reported in the literature in individuals affected with COL4A3-related conditions. This variant is not present in population databases (gnomAD no frequency). This sequence change creates a premature translational stop signal (p.Cys1551Lysfs*7) in the COL4A3 gene. It is expected to result in an absent or disrupted protein product. Loss-of-function variants in COL4A3 are known to be pathogenic (PMID: 8956999, 24854265, 26809805, 27281700).

Literature cited by the submitters: PubMed 8956999; PubMed 24854265; PubMed 26809805; PubMed 27281700.

NM_000091.5(COL4A3):c.4650_4653del (p.Cys1551fs)

Genes: COL4A3 (collagen type IV alpha 3 chain; plus strand), MFF-DT (MFF divergent transcript; minus strand). Cytogenetic location: 2q36.3.
Variant type: Deletion.
Coding change: c.4650_4653del on transcript NM_000091.5 (MANE Select); coding-DNA positions 4650 to 4653, 4 bases deleted (TTGT; older notation c.4650_4653delTTGT).
Protein change: p.Cys1551fs; shifts the reading frame from cysteine 1551.
Molecular consequence: frameshift variant.
Genome position (GRCh38, 1-based): chr2:227,309,213-227,309,216, TTGT deleted; deleting any 4 consecutive bases within chr2:227,309,210-227,309,216 gives the same sequence; the c. name uses the placement nearest the transcript's 3' end. VCF-style (leftmost placement, unchanged base first): chr2-227309209-CTGTT-C. GRCh37 (hg19) VCF-style: chr2-228173925-CTGTT-C.
Other names: short protein forms C1551fs.
Identifiers: ClinVar variation 2113196 (VCV002113196.4), dbSNP rs2469938889, ClinGen allele CA2580065919.